The following is an entry in ClinVar:

ClinVar aggregate classification (germline): Likely benign. Review status: criteria provided, multiple submitters, no conflicts (2 of 4 stars). 2 submissions from 2 submitters: Likely benign (2). Last evaluated 2025-09-04.

Allele frequency attached by ClinVar (database versions not stated): ExAC 0.00003; gnomAD 0.00004; gnomAD exomes 0.00004 and 0.00006.
gnomAD v4.1: 87 of 1,612,590 alleles (0.0054%); highest among the groups gnomAD compares: Non-Finnish European, 0.0071%; no homozygotes.

Submissions (2):

Labcorp Genetics (formerly Invitae), Labcorp
Classification: Likely benign. Last evaluated: 2025-09-04. Review status: criteria provided, single submitter. Criteria: Invitae Variant Classification Sherloc (09022015). Collection method: clinical testing. Allele origin: germline.

CeGaT Center for Human Genetics Tuebingen
Classification: Likely benign. Last evaluated: 2024-04-01. Review status: criteria provided, single submitter. Criteria: CeGaT Center For Human Genetics Tuebingen Variant Classification Criteria Version 2. Collection method: clinical testing. Allele origin: germline. Affected: yes. Observed: 1 variant allele.
Comment: SLC12A6: BP4, BP7

NM_001365088.1(SLC12A6):c.540C>A (p.Thr180=)

Gene: SLC12A6 (solute carrier family 12 member 6; minus strand). Cytogenetic location: 15q14.
Variant type: single nucleotide variant.
Coding change: c.540C>A on transcript NM_001365088.1 (MANE Select); coding-DNA position 540, C replaced by A.
Protein change: p.Thr180=; no amino-acid change (threonine 180 retained).
Molecular consequence: synonymous variant.
Genome position (GRCh38, 1-based): chr15:34,258,816, G>T on the plus strand (C>A on the coding strand, the complement: SLC12A6 is on the minus strand). VCF-style: chr15-34258816-G-T. GRCh37 (hg19) VCF-style: chr15-34551017-G-T.
Other names: c.363C>A, p.Thr121= (NM_001042494.2, NM_001042495.2); c.513C>A, p.Thr171= (NM_001042496.2); c.495C>A, p.Thr165= (NM_001042497.2); c.387C>A, p.Thr129= (NM_005135.2); c.540C>A, p.Thr180= (NM_133647.2).
Identifiers: ClinVar variation 1128771 (VCV001128771.29), dbSNP rs771922240, ClinGen allele CA7464551.